The following is an entry in ClinVar:

ClinVar aggregate classification (germline): Uncertain significance (1 of 4 stars; one submission).

gnomAD v4.1: 2 of 1,613,762 alleles (0.00012%); highest among the groups gnomAD compares: South Asian, 0.0011%; no homozygotes.

Submission:

Labcorp Genetics (formerly Invitae), Labcorp
Classification: Uncertain significance. Last evaluated: 2021-12-02. Review status: criteria provided, single submitter. Criteria: Invitae Variant Classification Sherloc (09022015). Collection method: clinical testing. Allele origin: germline.
Comment: This sequence change replaces glycine, which is neutral and non-polar, with arginine, which is basic and polar, at codon 263 of the SLC25A1 protein (p.Gly263Arg). This variant is present in population databases (rs201765451, gnomAD 0.002%). This variant has not been reported in the literature in individuals affected with SLC25A1-related conditions. Algorithms developed to predict the effect of missense changes on protein structure and function (SIFT, PolyPhen-2, Align-GVGD) all suggest that this variant is likely to be tolerated. In summary, the available evidence is currently insufficient to determine the role of this variant in disease. Therefore, it has been classified as a Variant of Uncertain Significance.

NM_005984.5(SLC25A1):c.787G>C (p.Gly263Arg)

Gene: SLC25A1 (solute carrier family 25 member 1; minus strand). Cytogenetic location: 22q11.21.
Variant type: single nucleotide variant.
Coding change: c.787G>C on transcript NM_005984.5 (MANE Select); coding-DNA position 787, G replaced by C.
Protein change: p.Gly263Arg; replaces glycine 263 with arginine.
Molecular consequence: missense variant. On other transcripts: non-coding transcript variant (1).
Genome position (GRCh38, 1-based): chr22:19,176,455, C>G on the plus strand (G>C on the coding strand, the complement: SLC25A1 is on the minus strand). VCF-style: chr22-19176455-C-G. GRCh37 (hg19) VCF-style: chr22-19163968-C-G.
Other names: c.808G>C, p.Gly270Arg (NM_001256534.2); c.478G>C, p.Gly160Arg (NM_001287387.2); short protein forms G263R, G270R, G160R.
Identifiers: ClinVar variation 1427025 (VCV001427025.6), dbSNP rs201765451, ClinGen allele CA10097288.
Genomic context (GRCh38, chr22:19,176,455, plus strand): 5'-AATAGCCCTGCCCCTCCCCCACTCACGCCTTGAGCCCCTCCTTCTTCAGGATCTGCAAGC[C>G]GCAGTCCCACGTGTTCCGGTATTTGTGCGCCTCCAGGCCCTATGGGGGACATCAGCAGGC-3'
Protein context (NP_005975.1, residues 253-273): AHKYRNTWDC[Gly263Arg]LQILKKEGLK